The following is an entry in ClinVar:

ClinVar aggregate classification (germline): Uncertain significance (1 of 4 stars; one submission).

Conditions:
Inborn genetic diseases. Identifiers: MedGen C0950123, MeSH D030342.

Submission:

Ambry Genetics
Classification: Uncertain significance for Inborn genetic diseases. Last evaluated: 2026-05-21. Review status: criteria provided, single submitter. Criteria: Ambry Variant Classification Scheme 2023. Collection method: clinical testing. Allele origin: germline.
Comment: The p.Y672D variant (also known as c.2014T>G), located in coding exon 8 of the MECOM gene, results from a T to G substitution at nucleotide position 2014. The tyrosine at codon 672 is replaced by aspartic acid, an amino acid with highly dissimilar properties. This amino acid position is conserved. In addition, the in silico prediction for this alteration is inconclusive. Based on the available evidence, the clinical significance of this variant remains unclear.

NM_004991.4(MECOM):c.2014T>G (p.Tyr672Asp)

Gene: MECOM (MDS1 and EVI1 complex locus; minus strand). Cytogenetic location: 3q26.2.
Variant type: single nucleotide variant.
Coding change: c.2014T>G on transcript NM_004991.4 (MANE Select); coding-DNA position 2014, T replaced by G.
Protein change: p.Tyr672Asp; replaces tyrosine 672 with aspartic acid.
Molecular consequence: missense variant. On other transcripts: intron variant (2).
Genome position (GRCh38, 1-based): chr3:169,115,858, A>C on the plus strand (T>G on the coding strand, the complement: MECOM is on the minus strand). VCF-style: chr3-169115858-A-C. GRCh37 (hg19) VCF-style: chr3-168833646-A-C.
Other names: c.1450T>G, p.Tyr484Asp (NM_001366469.2, NM_001366471.2, NM_001366472.2 and 4 more transcripts); c.1453T>G, p.Tyr485Asp (NM_001366470.2, NM_001163999.2, NM_001366467.2 and 1 more transcripts); c.1133-91T>G (NM_001366473.2); c.569-91T>G (NM_001366474.2); c.1645T>G, p.Tyr549Asp (NM_001105077.4); c.2014T>G, p.Tyr672Asp (NM_001366466.2); short protein forms Y484D, Y485D, Y549D, Y672D.
Identifiers: ClinVar variation 4859795 (VCV004859795.1).